The following is an entry in ClinVar:

ClinVar aggregate classification (germline): Uncertain significance (1 of 4 stars; one submission).

Conditions:
Charcot-Marie-Tooth disease axonal type 2O. Also called: CHARCOT-MARIE-TOOTH NEUROPATHY, AXONAL, TYPE 2O; CHARCOT-MARIE-TOOTH DISEASE, AXONAL, AUTOSOMAL DOMINANT, TYPE 2O; Charcot-Marie-Tooth Neuropathy Type 2O; Charcot-Marie-Tooth disease, axonal, type 20. Identifiers: Orphanet 284232, MedGen C3280220, MONDO:0013644, OMIM 614228.

Submission:

Labcorp Genetics (formerly Invitae), Labcorp
Classification: Uncertain significance for Charcot-Marie-Tooth disease axonal type 2O. Last evaluated: 2025-02-01. Review status: criteria provided, single submitter. Criteria: Invitae Variant Classification Sherloc (09022015). Collection method: clinical testing. Allele origin: germline.
Comment: This variant, c.55_57del, results in the deletion of 1 amino acid(s) of the DYNC1H1 protein (p.Ser19del), but otherwise preserves the integrity of the reading frame. This variant is present in population databases (no rsID available, gnomAD 0.009%). This variant has not been reported in the literature in individuals affected with DYNC1H1-related conditions. Experimental studies and prediction algorithms are not available or were not evaluated, and the functional significance of this variant is currently unknown. In summary, the available evidence is currently insufficient to determine the role of this variant in disease. Therefore, it has been classified as a Variant of Uncertain Significance.

NM_001376.5(DYNC1H1):c.55_57del (p.Ser19del)

Gene: DYNC1H1 (dynein cytoplasmic 1 heavy chain 1; plus strand). Cytogenetic location: 14q32.31.
Variant type: Deletion.
Coding change: c.55_57del on transcript NM_001376.5 (MANE Select); coding-DNA positions 55 to 57, 3 bases deleted (TCG; older notation c.55_57delTCG).
Protein change: p.Ser19del; deletes serine 19.
Molecular consequence: inframe deletion.
Genome position (GRCh38, 1-based): chr14:101,964,746-101,964,748, TCG deleted; deleting any 3 consecutive bases within chr14:101,964,745-101,964,748 gives the same sequence; the c. name uses the placement nearest the transcript's 3' end. VCF-style (leftmost placement, unchanged base first): chr14-101964744-TGTC-T. GRCh37 (hg19) VCF-style: chr14-102431081-TGTC-T.
Other names: short protein forms S19del.
Identifiers: ClinVar variation 3622345 (VCV003622345.2).